The following is an entry in ClinVar:

NM_199420.4(POLQ):c.4549G>T (p.Val1517Leu)

Gene: POLQ (DNA polymerase theta; minus strand). Cytogenetic location: 3q13.33.
Variant type: single nucleotide variant.
Coding change: c.4549G>T on transcript NM_199420.4 (MANE Select); coding-DNA position 4549, G replaced by T.
Protein change: p.Val1517Leu; replaces valine 1517 with leucine.
Molecular consequence: missense variant.
Genome position (GRCh38, 1-based): chr3:121,488,382, C>A on the plus strand (G>T on the coding strand, the complement: POLQ is on the minus strand). VCF-style: chr3-121488382-C-A. GRCh37 (hg19) VCF-style: chr3-121207229-C-A.
Other names: short protein forms V1517L.
Identifiers: ClinVar variation 1741400 (VCV001741400.2), dbSNP rs2546785797, ClinGen allele CA354094753.

ClinVar aggregate classification (germline): Uncertain significance (1 of 4 stars; one submission).

Submission:

Ambry Genetics
Classification: Uncertain significance. Last evaluated: 2021-11-06. Review status: criteria provided, single submitter. Criteria: Ambry Variant Classification Scheme 2023. Collection method: clinical testing. Allele origin: germline.
Comment: The p.V1517L variant (also known as c.4549G>T), located in coding exon 16 of the POLQ gene, results from a G to T substitution at nucleotide position 4549. The valine at codon 1517 is replaced by leucine, an amino acid with highly similar properties. This amino acid position is conserved. In addition, this alteration is predicted to be tolerated by in silico analysis. Since supporting evidence is limited at this time, the clinical significance of this alteration remains unclear.